The following is an entry in ClinVar:

ClinVar aggregate classification (germline): Conflicting classifications of pathogenicity. Review status: criteria provided, conflicting classifications (1 of 4 stars). 2 submissions from 2 submitters: Uncertain significance (1); Likely benign (1). Last evaluated 2023-03-23.

Conditions:
Hereditary cancer-predisposing syndrome. Also called: Neoplastic Syndromes, Hereditary; Tumor predisposition; Hereditary Cancer Syndrome; Hereditary neoplastic syndrome. Identifiers: Orphanet 140162, MedGen C0027672, MeSH D009386, MONDO:0015356.

Submissions (2):

University of Washington Department of Laboratory Medicine, University of Washington
Classification: Likely benign for Hereditary cancer-predisposing syndrome. Last evaluated: 2023-03-23. Review status: criteria provided, single submitter. Criteria: Dines et al. (Genet Med. 2020). Collection method: curation. Allele origin: germline.
Comment: Missense variant in a coldspot region where missense variants are very unlikely to be pathogenic (PMID:31911673).

BRCA2 exon 11 coldspot. Reclassification based on statistical prior probability.

Ambry Genetics
Classification: Uncertain significance for Hereditary cancer-predisposing syndrome. Last evaluated: 2018-12-03. Review status: criteria provided, single submitter. Criteria: Ambry Variant Classification Scheme 2023. Collection method: clinical testing. Allele origin: germline.
Comment: The p.N801H variant (also known as c.2401A>C), located in coding exon 10 of the BRCA2 gene, results from an A to C substitution at nucleotide position 2401. The asparagine at codon 801 is replaced by histidine, an amino acid with similar properties. This amino acid position is poorly conserved in available vertebrate species. In addition, this alteration is predicted to be tolerated by in silico analysis. Since supporting evidence is limited at this time, the clinical significance of this alteration remains unclear.

NM_000059.4(BRCA2):c.2401A>C (p.Asn801His)

Gene: BRCA2 (BRCA2 DNA repair associated; plus strand). Cytogenetic location: 13q13.1.
Variant type: single nucleotide variant.
Coding change: c.2401A>C on transcript NM_000059.4 (MANE Select); coding-DNA position 2401, A replaced by C.
Protein change: p.Asn801His; replaces asparagine 801 with histidine.
Molecular consequence: missense variant.
Genome position (GRCh38, 1-based): chr13:32,336,756, A>C. VCF-style: chr13-32336756-A-C. GRCh37 (hg19) VCF-style: chr13-32910893-A-C.
Other names: short protein forms N801H.
Identifiers: ClinVar variation 821221 (VCV000821221.6), dbSNP rs765279896, ClinGen allele CA387771967.